The following is an entry in ClinVar:

NM_000545.8(HNF1A):c.1107+1G>C

Gene: HNF1A (HNF1 homeobox A; plus strand). Cytogenetic location: 12q24.31.
Variant type: single nucleotide variant.
Coding change: c.1107+1G>C on transcript NM_000545.8 (MANE Select); the canonical splice donor site of the intron after coding-DNA position 1107, G replaced by C.
Molecular consequence: splice donor variant.
Genome position (GRCh38, 1-based): chr12:120,996,414, G>C. VCF-style: chr12-120996414-G-C. GRCh37 (hg19) VCF-style: chr12-121434217-G-C.
Other names: c.1107+1G>C (NM_001306179.2, NM_001406915.1).
Identifiers: ClinVar variation 2755528 (VCV002755528.3), dbSNP rs2500001875, ClinGen allele CA386968710.

ClinVar aggregate classification (germline): Pathogenic (1 of 4 stars; one submission).

Submission:

Labcorp Genetics (formerly Invitae), Labcorp
Classification: Pathogenic. Last evaluated: 2023-08-27. Review status: criteria provided, single submitter. Criteria: Invitae Variant Classification Sherloc (09022015). Collection method: clinical testing. Allele origin: germline.
Comment: This variant is not present in population databases (gnomAD no frequency). This sequence change affects a donor splice site in intron 5 of the HNF1A gene. It is expected to disrupt RNA splicing. Variants that disrupt the donor or acceptor splice site typically lead to a loss of protein function (PMID: 16199547), and loss-of-function variants in HNF1A are known to be pathogenic (PMID: 15928245, 18003757). Disruption of this splice site has been observed in individuals with maturity-onset diabetes of the young (PMID: 15657605; Invitae). Algorithms developed to predict the effect of sequence changes on RNA splicing suggest that this variant may disrupt the consensus splice site. For these reasons, this variant has been classified as Pathogenic.

Literature cited by the submitters: PubMed 16199547; PubMed 15928245; PubMed 18003757; PubMed 15657605.